The following is an entry in ClinVar:

ClinVar aggregate classification (germline): Uncertain significance (1 of 4 stars; one submission).

Conditions:
POLD1-related polyposis and colorectal cancer syndrome (CRCS10). Also called: Colorectal cancer 10; COLORECTAL CANCER, SUSCEPTIBILITY TO, ON CHROMOSOME 19q; Colorectal cancer, susceptibility to, 10. Identifiers: Orphanet 220460, MedGen C2675481, MONDO:0012953, OMIM 612591.

Submission:

Labcorp Genetics (formerly Invitae), Labcorp
Classification: Uncertain significance for POLD1-related polyposis and colorectal cancer syndrome. Last evaluated: 2017-11-30. Review status: criteria provided, single submitter. Criteria: Invitae Variant Classification Sherloc (09022015). Collection method: clinical testing. Allele origin: germline.
Comment: Missense variants that disrupt the 3'-5' exonuclease (proof-reading) activity of the POLD1 protein, while not abolishing its polymerase enzyme activity, are associated with an increased risk for colonic adenomatous polyps and colon cancer (PMID: 23263490, 23447401). Loss-of-function truncating variants, which result in an absent or severely disrupted POLD1 protein, are therefore unlikely to be associated with disease. Without further clinical and genetic evidence, however, this variant has been classified as a Variant of Uncertain Significance. This variant has not been reported in the literature in individuals with POLD1-related disease. This variant is not present in population databases (ExAC no frequency). This sequence change creates a premature translational stop signal (p.Asp819Cysfs*76) in the POLD1 gene. It is expected to result in an absent or disrupted protein product.

Literature cited by the submitters: PubMed 23263490; PubMed 23447401.

NM_002691.4(POLD1):c.2435_2454dup (p.Asp819fs)

Gene: POLD1 (DNA polymerase delta 1, catalytic subunit; plus strand). Cytogenetic location: 19q13.33.
Variant type: Duplication.
Coding change: c.2435_2454dup on transcript NM_002691.4 (MANE Select); coding-DNA positions 2435 to 2454, 20 bases duplicated (TGCTCTTCTCCTCCCGGCCC).
Protein change: p.Asp819fs; shifts the reading frame from aspartic acid 819.
Molecular consequence: frameshift variant. On other transcripts: non-coding transcript variant (1).
Genome position (GRCh38, 1-based): chr19:50,414,861-50,414,880, TGCTCTTCTCCTCCCGGCCC duplicated; duplicating any 20 consecutive bases within chr19:50,414,859-50,414,880 gives the same sequence; the c. name uses the placement nearest the transcript's 3' end. VCF-style (leftmost placement, unchanged base first): chr19-50414858-G-GCCTGCTCTTCTCCTCCCGGC. GRCh37 (hg19) VCF-style: chr19-50918115-G-GCCTGCTCTTCTCCTCCCGGC.
Other names: c.2435_2454dup, p.Asp819fs (NM_001256849.1); c.2513_2532dup, p.Asp845fs (NM_001308632.1); short protein forms D819fs, D845fs.
Identifiers: ClinVar variation 537085 (VCV000537085.8), dbSNP rs1555792829, ClinGen allele CA658799268.